The following is an entry in ClinVar:

NM_001142864.4(PIEZO1):c.3623C>G (p.Thr1208Arg)

Gene: PIEZO1 (piezo type mechanosensitive ion channel component 1 (Er blood group); minus strand). Cytogenetic location: 16q24.3.
Variant type: single nucleotide variant.
Coding change: c.3623C>G on transcript NM_001142864.4 (MANE Select); coding-DNA position 3623, C replaced by G.
Protein change: p.Thr1208Arg; replaces threonine 1208 with arginine.
Molecular consequence: missense variant.
Genome position (GRCh38, 1-based): chr16:88,726,791, G>C on the plus strand (C>G on the coding strand, the complement: PIEZO1 is on the minus strand). VCF-style: chr16-88726791-G-C. GRCh37 (hg19) VCF-style: chr16-88793199-G-C.
Other names: short protein forms T1208R.
Identifiers: ClinVar variation 4989063 (VCV004989063.1).

ClinVar aggregate classification (germline): Uncertain significance (1 of 4 stars; one submission).

Conditions:
PIEZO1-related disorder. Also called: PIEZO1-related condition; PIEZO1-Related Disorders.

gnomAD v4.1: 1 of 1,550,280 alleles (0.000065%); highest among the groups gnomAD compares: African/African-American, 0.0014%; no homozygotes.

Submission:

PreventionGenetics, part of Exact Sciences
Classification: Uncertain significance for PIEZO1-related condition. Last evaluated: 2026-05-19. Review status: criteria provided, single submitter. Criteria: ACMG Guidelines, 2015. Collection method: clinical testing. Allele origin: germline.
Comment: The PIEZO1 c.3623C>G variant is predicted to result in the amino acid substitution p.Thr1208Arg. To our knowledge, this variant has not been reported in the literature. This variant is reported in 0.013% of alleles in individuals of African descent in gnomAD. At this time, the clinical significance of this variant is uncertain due to the absence of conclusive functional and genetic evidence.